The following is an entry in ClinVar:

NM_001388303.1(HECTD4):c.7174A>C (p.Ser2392Arg)

Gene: HECTD4 (HECT domain E3 ubiquitin protein ligase 4; minus strand). Cytogenetic location: 12q24.13.
Variant type: single nucleotide variant.
Coding change: c.7174A>C on transcript NM_001388303.1 (MANE Select); coding-DNA position 7174, A replaced by C.
Protein change: p.Ser2392Arg; replaces serine 2392 with arginine.
Molecular consequence: missense variant.
Genome position (GRCh38, 1-based): chr12:112,217,096, T>G on the plus strand (A>C on the coding strand, the complement: HECTD4 is on the minus strand). VCF-style: chr12-112217096-T-G. GRCh37 (hg19) VCF-style: chr12-112654900-T-G.
Other names: c.7204A>C, p.Ser2402Arg (NM_001109662.4); short protein forms S2392R, S2402R.
Identifiers: ClinVar variation 4882747 (VCV004882747.2).
Genomic context (GRCh38, chr12:112,217,096, plus strand): 5'-GAACTGGCAGTGGTGAAGTGGCATAGATAAAAGTGCCCCGGGGCAGGCCTCCCCCAGCGC[T>G]GGGGTCAGCCAGGAAGGTGACTGAGGTAAGGTGAGATGAGAACATGCAGGCTCGAACAGG-3'
Protein context (NP_001375232.1, residues 2382-2402): LTSVTFLADP[Ser2392Arg]AGGGLPRGTF

ClinVar aggregate classification (germline): Uncertain significance (1 of 4 stars; one submission).

Conditions:
Neurodevelopmental disorder with seizures, spasticity, and complete or partial agenesis of the corpus callosum (NEDSSCC). Identifiers: MedGen C5830296, MONDO:0859516, OMIM 620250.

Submission:

Dasa
Classification: Uncertain significance for Neurodevelopmental disorder with seizures, spasticity, and complete or partial agenesis of the corpus callosum. Last evaluated: 2026-01-13. Review status: criteria provided, single submitter. Criteria: DASA Assertion Criteria. Collection method: clinical testing. Allele origin: germline.
Comment: NM_001388303.1(HECTD4):c.7174A>C (p.Ser2392Arg) is a missense variant that results in the substitution of serine with arginine. This variant is rare in population databases. The currently available literature and clinical evidence are not sufficient to establish a definitive association between this variant and the reported condition. Therefore, this variant is classified as a variant of uncertain significance.